The following is an entry in ClinVar:

ClinVar aggregate classification (germline): Pathogenic (1 of 4 stars; one submission).

Submission:

CeGaT Center for Human Genetics Tuebingen
Classification: Pathogenic. Last evaluated: 2022-06-01. Review status: criteria provided, single submitter. Criteria: CeGaT Center For Human Genetics Tuebingen Variant Classification Criteria Version 2. Collection method: clinical testing. Allele origin: germline. Affected: yes. Observed: 1 variant allele.
Comment: FANCG: PVS1, PM2

NM_004629.2(FANCG):c.1400del (p.Gly467fs)

Gene: FANCG (FA complementation group G; minus strand). Cytogenetic location: 9p13.3.
Variant type: Deletion.
Coding change: c.1400del on transcript NM_004629.2 (MANE Select); coding-DNA position 1400, one base deleted (G; older notation c.1400delG).
Protein change: p.Gly467fs; shifts the reading frame from glycine 467.
Molecular consequence: frameshift variant.
Genome position (GRCh38, 1-based): chr9:35,075,498, C deleted on the plus strand (G on the coding strand, the reverse complement: FANCG is on the minus strand); the first of 3 consecutive C bases (chr9:35,075,498-35,075,500); deleting any one gives the same sequence. VCF-style (leftmost placement, unchanged base first): chr9-35075497-AC-A. GRCh37 (hg19) VCF-style: chr9-35075494-AC-A.
Other names: short protein forms G467fs.
Identifiers: ClinVar variation 1695249 (VCV001695249.31), dbSNP rs2131053777, ClinGen allele CA2580080411.